The following is an entry in ClinVar:

ClinVar aggregate classification (germline): Benign (1 of 4 stars; one submission).

Allele frequency attached by ClinVar (database versions not stated): TOPMed 0.09122; 1000 Genomes Project 30x 0.09838; 1000 Genomes Project 0.10264.
gnomAD v4.1: 15,394 of 152,148 alleles (10%); highest among the groups gnomAD compares: South Asian, 18%; 1,019 homozygotes.

Submission:

GeneDx
Classification: Benign. Last evaluated: 2018-06-14. Review status: criteria provided, single submitter. Criteria: GeneDx Variant Classification (06012015). Collection method: clinical testing. Allele origin: germline. Affected: yes.
Comment: This variant is considered likely benign or benign based on one or more of the following criteria: it is a conservative change, it occurs at a poorly conserved position in the protein, it is predicted to be benign by multiple in silico algorithms, and/or has population frequency not consistent with disease.

NM_080680.3(COL11A2):c.877-291G>C

Gene: COL11A2 (collagen type XI alpha 2 chain; minus strand). Cytogenetic location: 6p21.32.
Variant type: single nucleotide variant.
Coding change: c.877-291G>C on transcript NM_080680.3 (MANE Select); 291 bases into the intron before coding-DNA position 877, G replaced by C.
Molecular consequence: intron variant.
Genome position (GRCh38, 1-based): chr6:33,185,345, C>G on the plus strand (G>C on the coding strand, the complement: COL11A2 is on the minus strand). VCF-style: chr6-33185345-C-G. GRCh37 (hg19) VCF-style: chr6-33153122-C-G.
Other names: c.798+1282G>C (NM_080679.3); c.799-291G>C (NM_080681.3).
Identifiers: ClinVar variation 669666 (VCV000669666.1), dbSNP rs2744505, ClinGen allele CA12441960.